The following is an entry in ClinVar:

ClinVar aggregate classification (germline): Benign/Likely benign. Review status: criteria provided, multiple submitters, no conflicts (2 of 4 stars). 4 submissions from 4 submitters: Benign (2); Likely benign (2). Last evaluated 2026-01-27.

Allele frequency attached by ClinVar (database versions not stated): gnomAD exomes 0.00018 and 0.00036; ExAC 0.00041; 1000 Genomes Project 30x 0.00078; 1000 Genomes Project 0.00080; ESP Exome Variant Server 0.00146; gnomAD 0.00159 and 0.00178; TOPMed 0.00175.
gnomAD v4.1: 506 of 1,612,882 alleles (0.031%); highest among the groups gnomAD compares: African/African-American, 0.57%; 3 homozygotes.

Submissions (4):

Labcorp Genetics (formerly Invitae), Labcorp
Classification: Benign. Last evaluated: 2026-01-27. Review status: criteria provided, single submitter. Criteria: Invitae Variant Classification Sherloc (09022015). Collection method: clinical testing. Allele origin: germline.

Blueprint Genetics
Classification: Likely benign. Last evaluated: 2023-11-13. Review status: criteria provided, single submitter. Criteria: ACMG Guidelines, 2015. Collection method: clinical testing. Allele origin: germline.

CeGaT Center for Human Genetics Tuebingen
Classification: Likely benign. Last evaluated: 2023-09-01. Review status: criteria provided, single submitter. Criteria: CeGaT Center For Human Genetics Tuebingen Variant Classification Criteria Version 2. Collection method: clinical testing. Allele origin: germline. Affected: yes. Observed: 1 variant allele.
Comment: ADAMTS10: BP4, BP7, BS2

Breakthrough Genomics
Classification: Benign. Review status: criteria provided, single submitter. Criteria: ACMG Guidelines, 2015. Collection method: not provided. Allele origin: germline. Inheritance: Autosomal recessive inheritance. Affected: yes.

NM_030957.4(ADAMTS10):c.351G>A (p.Ala117=)

Gene: ADAMTS10 (ADAM metallopeptidase with thrombospondin type 1 motif 10; minus strand). Cytogenetic location: 19p13.2.
Variant type: single nucleotide variant.
Coding change: c.351G>A on transcript NM_030957.4 (MANE Select); coding-DNA position 351, G replaced by A.
Protein change: p.Ala117=; no amino-acid change (alanine 117 retained).
Molecular consequence: synonymous variant.
Genome position (GRCh38, 1-based): chr19:8,605,096, C>T on the plus strand (G>A on the coding strand, the complement: ADAMTS10 is on the minus strand). VCF-style: chr19-8605096-C-T. GRCh37 (hg19) VCF-style: chr19-8669981-C-T.
Identifiers: ClinVar variation 790204 (VCV000790204.35), dbSNP rs114628276, ClinGen allele CA9160872.
Genomic context (GRCh38, chr19:8,605,096, plus strand): 5'-CACATGGGAGCTGCTGGCCTGGCCCTGCAGGTGACCAGCGTAGAGGCAGTGGGGCCGGGC[C>T]GCCCTCTGCCAGGCCAGGCCCTCCCGTGTCCAGTACTCCACGGAGACGTGCCCTGCCAGT-3'
Protein context (NP_112219.3, residues 107-127): WTREGLAWQR[Ala117=]ARPHCLYAGH